The following is an entry in ClinVar:

ClinVar aggregate classification (germline): Uncertain significance (1 of 4 stars; one submission).

Submission:

GeneDx
Classification: Uncertain significance. Last evaluated: 2020-01-17. Review status: criteria provided, single submitter. Criteria: GeneDx Variant Classification Process June 2021. Collection method: clinical testing. Allele origin: germline. Affected: yes.
Comment: Nonsense variant in the C-terminus predicted to result in protein truncation, as the last 836 amino acids are lost, and other loss-of-function variants have been reported downstream in the Human Gene Mutation Database (Stenson et al., 2014); Not observed in large population cohorts (Lek et al., 2016); Has not been previously published as pathogenic or benign to our knowledge

NM_001377229.1(DISP1):c.2065C>T (p.Gln689Ter)

Gene: DISP1 (dispatched RND transporter family member 1; plus strand). Cytogenetic location: 1q41.
Variant type: single nucleotide variant.
Coding change: c.2065C>T on transcript NM_001377229.1 (MANE Select); coding-DNA position 2065, C replaced by T.
Protein change: p.Gln689Ter; replaces glutamine 689 with a stop codon.
Molecular consequence: nonsense.
Genome position (GRCh38, 1-based): chr1:223,003,462, C>T. VCF-style: chr1-223003462-C-T. GRCh37 (hg19) VCF-style: chr1-223176804-C-T.
Other names: c.1336C>T, p.Gln446Ter (NM_001350630.2); c.2065C>T, p.Gln689Ter (NM_001369594.1, NM_001377228.1, NM_032890.5); short protein forms Q446*, Q689*.
Identifiers: ClinVar variation 1311574 (VCV001311574.2), dbSNP rs2102800171, ClinGen allele CA344680593.